The following is an entry in ClinVar:

ClinVar aggregate classification (germline): Pathogenic (1 of 4 stars; one submission).

Conditions:
Developmental and epileptic encephalopathy. Identifiers: MedGen C5779964, MONDO:0100620.

Submission:

Labcorp Genetics (formerly Invitae), Labcorp
Classification: Pathogenic for Early infantile epileptic encephalopathy with suppression bursts. Last evaluated: 2019-07-29. Review status: criteria provided, single submitter. Criteria: Invitae Variant Classification Sherloc (09022015). Collection method: clinical testing. Allele origin: germline.
Comment: A gross deletion of the genomic region encompassing the full coding sequence of the SCN1A gene has been identified. The boundaries of this event are unknown as the deletion extends beyond the assayed region for this gene and therefore may encompass additional genes. Whole-gene deletions of SCN1A have been reported in individuals affected with Dravet syndrome (PMID: 17561957, 21719429). Loss-of-function variants in SCN1A are known to be pathogenic (PMID: 17347258, 18930999). For these reasons, this variant has been classified as Pathogenic.

Literature cited by the submitters: PubMed 17561957; PubMed 21719429.

NC_000002.12:g.(?_165991225)_(166073641_?)del

Gene: SCN1A (sodium voltage-gated channel alpha subunit 1; minus strand). Cytogenetic location: 2q24.3.
Variant type: Deletion.
Identifiers: ClinVar variation 832530 (VCV000832530.2).